The following is an entry in ClinVar:

NM_182914.3(SYNE2):c.12295T>C (p.Ser4099Pro)

Gene: SYNE2 (spectrin repeat containing nuclear envelope protein 2; plus strand). Cytogenetic location: 14q23.2.
Variant type: single nucleotide variant.
Coding change: c.12295T>C on transcript NM_182914.3 (MANE Select); coding-DNA position 12295, T replaced by C.
Protein change: p.Ser4099Pro; replaces serine 4099 with proline.
Molecular consequence: missense variant.
Genome position (GRCh38, 1-based): chr14:64,098,135, T>C. VCF-style: chr14-64098135-T-C. GRCh37 (hg19) VCF-style: chr14-64564853-T-C.
Other names: c.12295T>C (NM_182914.2); c.12295T>C, p.Ser4099Pro (NM_015180.6); short protein forms S4099P.
Identifiers: ClinVar variation 2994539 (VCV002994539.4), dbSNP rs1294546477, ClinGen allele CA389952994.
Genomic context (GRCh38, chr14:64,098,135, plus strand): 5'-GAAAGAGATAGGCTGCCAGCTGTAACATCAGAGGAAGGTGGAGTGGCAGAGAGGGATGCT[T>C]CTGAGCGGAAGGTGGGTATGACTTTAGGTTAATGCTGGCCCCACACTCCACAAGAGCATT-3'
Protein context (NP_878918.2, residues 4089-4109): EEGGVAERDA[Ser4099Pro]ERKLNRRGSM

ClinVar aggregate classification (germline): Uncertain significance. Review status: criteria provided, multiple submitters, no conflicts (2 of 4 stars). 2 submissions from 2 submitters: Uncertain significance (2). Last evaluated 2025-06-24.

Conditions:
Emery-Dreifuss muscular dystrophy 5, autosomal dominant (EDMD5). Also called: EMERY-DREIFUSS MUSCULAR DYSTROPHY 5. Identifiers: Orphanet 261, MedGen C2751805, MONDO:0013072, OMIM 612999.

Allele frequency attached by ClinVar (database versions not stated): gnomAD 0.00001; gnomAD exomes 0.00001; TOPMed 0.00003.
gnomAD v4.1: 5 of 1,613,850 alleles (0.00031%); highest among the groups gnomAD compares: East Asian, 0.011%; no homozygotes.

Submissions (2):

Ambry Genetics
Classification: Uncertain significance. Last evaluated: 2025-06-24. Review status: criteria provided, single submitter. Criteria: Ambry Variant Classification Scheme 2023. Collection method: clinical testing. Allele origin: germline.

Labcorp Genetics (formerly Invitae), Labcorp
Classification: Uncertain significance for Emery-Dreifuss muscular dystrophy 5, autosomal dominant. Last evaluated: 2023-10-23. Review status: criteria provided, single submitter. Criteria: Invitae Variant Classification Sherloc (09022015). Collection method: clinical testing. Allele origin: germline.
Comment: This sequence change replaces serine, which is neutral and polar, with proline, which is neutral and non-polar, at codon 4099 of the SYNE2 protein (p.Ser4099Pro). This variant is not present in population databases (gnomAD no frequency). This variant has not been reported in the literature in individuals affected with SYNE2-related conditions. Algorithms developed to predict the effect of missense changes on protein structure and function output the following: SIFT: "Not Available"; PolyPhen-2: "Benign"; Align-GVGD: "Not Available". The proline amino acid residue is found in multiple mammalian species, which suggests that this missense change does not adversely affect protein function. In summary, the available evidence is currently insufficient to determine the role of this variant in disease. Therefore, it has been classified as a Variant of Uncertain Significance.